The following is an entry in ClinVar:

ClinVar aggregate classification (germline): Uncertain significance. Review status: criteria provided, multiple submitters, no conflicts (2 of 4 stars). 3 submissions from 3 submitters: Uncertain significance (3). Last evaluated 2025-05-21.

Conditions:
Cardiomyopathy (CMYO). Also called: Cardiomyopathies. Identifiers: Orphanet 167848, MedGen C0878544, MONDO:0004994, HP:0001638. Inheritance: Various modes of inheritance.

Allele frequency attached by ClinVar (database versions not stated): gnomAD exomes 0.00001; gnomAD 0.00001.
gnomAD v4.1: 5 of 1,612,098 alleles (0.00031%); highest among the groups gnomAD compares: Middle Eastern, 0.016%; no homozygotes.

Submissions (3):

Revvity Omics, Revvity
Classification: Uncertain significance. Last evaluated: 2025-05-21. Review status: criteria provided, single submitter. Criteria: ACMG Guidelines, 2015. Collection method: clinical testing. Allele origin: germline.

Athena Diagnostics
Classification: Uncertain significance. Last evaluated: 2023-12-18. Review status: criteria provided, single submitter. Criteria: Athena Diagnostics Criteria. Collection method: clinical testing. Allele origin: unknown.
Comment: Available data are insufficient to determine the clinical significance of the variant at this time. The frequency of this variant in the general population is uninformative in assessment of its pathogenicity. Computational tools predict that this variant is not damaging.

CHEO Genetics Diagnostic Laboratory, Children's Hospital of Eastern Ontario
Classification: Uncertain significance for Cardiomyopathy. Last evaluated: 2021-04-14. Review status: criteria provided, single submitter. Criteria: ACMG Guidelines, 2015. Collection method: clinical testing. Allele origin: germline.

NM_001267550.2(TTN):c.52531G>C (p.Val17511Leu)

Genes: TTN (titin; minus strand), TTN-AS1 (TTN antisense RNA 1; plus strand), LOC126806425 (BRD4-independent group 4 enhancer GRCh37_chr2:179471933-179473132; plus strand). Cytogenetic location: 2q31.2.
Variant type: single nucleotide variant.
Coding change: c.52531G>C on transcript NM_001267550.2 (MANE Select); coding-DNA position 52531, G replaced by C.
Protein change: p.Val17511Leu; replaces valine 17511 with leucine.
Molecular consequence: missense variant.
Genome position (GRCh38, 1-based): chr2:178,608,352, C>G on the plus strand (G>C on the coding strand, the complement: TTN is on the minus strand). VCF-style: chr2-178608352-C-G. GRCh37 (hg19) VCF-style: chr2-179473079-C-G.
Other names: c.47608G>C, p.Val15870Leu (NM_001256850.1); c.25336G>C, p.Val8446Leu (NM_003319.4); c.44827G>C, p.Val14943Leu (NM_133378.4); c.25711G>C, p.Val8571Leu (NM_133432.3); c.25912G>C, p.Val8638Leu (NM_133437.4); c.52531G>C (NM_001267550.1); short protein forms V14943L, V15870L, V17511L, V8446L, V8571L, V8638L.
Identifiers: ClinVar variation 1329164 (VCV001329164.4), dbSNP rs1446269783, ClinGen allele CA349573118.